The following is an entry in ClinVar:

NM_000038.6(APC):c.187T>G (p.Ser63Ala)

Gene: APC (APC regulator of Wnt signaling pathway; plus strand). Cytogenetic location: 5q22.2.
Variant type: single nucleotide variant.
Coding change: c.187T>G on transcript NM_000038.6 (MANE Select); coding-DNA position 187, T replaced by G.
Protein change: p.Ser63Ala; replaces serine 63 with alanine.
Molecular consequence: missense variant. On other transcripts: 5 prime UTR variant (1).
Genome position (GRCh38, 1-based): chr5:112,766,377, T>G. VCF-style: chr5-112766377-T-G. GRCh37 (hg19) VCF-style: chr5-112102074-T-G.
Other names: c.187T>G, p.Ser63Ala (NM_001127510.3, NM_001354895.2, NM_001354896.2 and 16 more transcripts); c.217T>G, p.Ser73Ala (NM_001127511.3, NM_001354897.2, NM_001354902.2 and 1 more transcripts); c.112T>G, p.Ser38Ala (NM_001354898.2, NM_001354904.2, NM_001407451.1); c.10T>G, p.Ser4Ala (NM_001354900.2, NM_001354901.2, NM_001354905.2 and 1 more transcripts); c.-849T>G (NM_001354906.2, NM_001407470.1, NM_001407471.1 and 1 more transcripts); short protein forms S4A, S38A, S63A, S73A.
Identifiers: ClinVar variation 1781875 (VCV001781875.2), dbSNP rs776469589, ClinGen allele CA16021755.
Genomic context (GRCh38, chr5:112,766,377, plus strand): 5'-TTTTAACAGGAAGTACTTAAACAACTACAAGGAAGTATTGAAGATGAAGCTATGGCTTCT[T>G]CTGGACAGATTGATTTATTAGAGCGTCTTAAAGGTAGATTTTAAAAAGGTGTTTTAAAAT-3'
Protein context (NP_000029.2, residues 53-73): GSIEDEAMAS[Ser63Ala]GQIDLLERLK

ClinVar aggregate classification (germline): Uncertain significance (1 of 4 stars; one submission).

Conditions:
Hereditary cancer-predisposing syndrome. Also called: Neoplastic Syndromes, Hereditary; Tumor predisposition; Hereditary Cancer Syndrome; Hereditary neoplastic syndrome. Identifiers: Orphanet 140162, MedGen C0027672, MeSH D009386, MONDO:0015356.

Submission:

Ambry Genetics
Classification: Uncertain significance for Hereditary cancer-predisposing syndrome. Last evaluated: 2022-05-13. Review status: criteria provided, single submitter. Criteria: Ambry Variant Classification Scheme 2023. Collection method: clinical testing. Allele origin: germline.
Comment: The p.S63A variant (also known as c.187T>G), located in coding exon 2 of the APC gene, results from a T to G substitution at nucleotide position 187. The serine at codon 63 is replaced by alanine, an amino acid with similar properties. This amino acid position is well conserved in available vertebrate species. In addition, in silico predictors for this gene do not accurately predict pathogenicity. Since supporting evidence is limited at this time, the clinical significance of this alteration remains unclear.